The following is an entry in ClinVar:

NM_005220.3(DLX3):c.133G>C (p.Ala45Pro)

Gene: DLX3 (distal-less homeobox 3; minus strand). Cytogenetic location: 17q21.33.
Variant type: single nucleotide variant.
Coding change: c.133G>C on transcript NM_005220.3 (MANE Select); coding-DNA position 133, G replaced by C.
Protein change: p.Ala45Pro; replaces alanine 45 with proline.
Molecular consequence: missense variant.
Genome position (GRCh38, 1-based): chr17:49,994,866, C>G on the plus strand (G>C on the coding strand, the complement: DLX3 is on the minus strand). VCF-style: chr17-49994866-C-G. GRCh37 (hg19) VCF-style: chr17-48072230-C-G.
Other names: short protein forms A45P.
Identifiers: ClinVar variation 2322083 (VCV002322083.3), dbSNP rs767400459, ClinGen allele CA8641109.

ClinVar aggregate classification (germline): Uncertain significance. Review status: criteria provided, multiple submitters, no conflicts (2 of 4 stars). 2 submissions from 2 submitters: Uncertain significance (2). Last evaluated 2025-08-03.

Conditions:
Inborn genetic diseases. Identifiers: MedGen C0950123, MeSH D030342.

Allele frequency attached by ClinVar (database versions not stated): TOPMed 0.00001.
gnomAD v4.1: 5 of 1,614,086 alleles (0.00031%); highest among the groups gnomAD compares: Admixed American, 0.005%; no homozygotes.

Submissions (2):

Labcorp Genetics (formerly Invitae), Labcorp
Classification: Uncertain significance. Last evaluated: 2025-08-03. Review status: criteria provided, single submitter. Criteria: Invitae Variant Classification Sherloc (09022015). Collection method: clinical testing. Allele origin: germline.
Comment: This sequence change replaces alanine, which is neutral and non-polar, with proline, which is neutral and non-polar, at codon 45 of the DLX3 protein (p.Ala45Pro). This variant is present in population databases (rs767400459, gnomAD 0.009%). This variant has not been reported in the literature in individuals affected with DLX3-related conditions. ClinVar contains an entry for this variant (Variation ID: 2322083). Invitae Evidence Modeling of protein sequence and biophysical properties (such as structural, functional, and spatial information, amino acid conservation, physicochemical variation, residue mobility, and thermodynamic stability) indicates that this missense variant is not expected to disrupt DLX3 protein function with a negative predictive value of 80%. In summary, the available evidence is currently insufficient to determine the role of this variant in disease. Therefore, it has been classified as a Variant of Uncertain Significance.

Ambry Genetics
Classification: Uncertain significance for Inborn genetic diseases. Last evaluated: 2022-11-03. Review status: criteria provided, single submitter. Criteria: Ambry Variant Classification Scheme 2023. Collection method: clinical testing. Allele origin: germline.